The following is an entry in ClinVar:

NM_014264.5(PLK4):c.2009T>A (p.Ile670Asn)

Gene: PLK4 (polo like kinase 4; plus strand). Cytogenetic location: 4q28.1.
Variant type: single nucleotide variant.
Coding change: c.2009T>A on transcript NM_014264.5 (MANE Select); coding-DNA position 2009, T replaced by A.
Protein change: p.Ile670Asn; replaces isoleucine 670 with asparagine.
Molecular consequence: missense variant.
Genome position (GRCh38, 1-based): chr4:127,891,652, T>A. VCF-style: chr4-127891652-T-A. GRCh37 (hg19) VCF-style: chr4-128812807-T-A.
Other names: c.1913T>A, p.Ile638Asn (NM_001190799.2); c.1886T>A, p.Ile629Asn (NM_001190801.2); short protein forms I638N, I629N, I670N.
Identifiers: ClinVar variation 2089837 (VCV002089837.4), dbSNP rs2546020791, ClinGen allele CA358158641.

ClinVar aggregate classification (germline): Uncertain significance (1 of 4 stars; one submission).

gnomAD v4.1: 1 of 1,532,174 alleles (0.000065%); highest among the groups gnomAD compares: African/African-American, 0.0014%; no homozygotes.

Submission:

Labcorp Genetics (formerly Invitae), Labcorp
Classification: Uncertain significance. Last evaluated: 2022-09-07. Review status: criteria provided, single submitter. Criteria: Invitae Variant Classification Sherloc (09022015). Collection method: clinical testing. Allele origin: germline.
Comment: In summary, the available evidence is currently insufficient to determine the role of this variant in disease. Therefore, it has been classified as a Variant of Uncertain Significance. Algorithms developed to predict the effect of missense changes on protein structure and function (SIFT, PolyPhen-2, Align-GVGD) all suggest that this variant is likely to be tolerated. This variant has not been reported in the literature in individuals affected with PLK4-related conditions. This variant is not present in population databases (gnomAD no frequency). This sequence change replaces isoleucine, which is neutral and non-polar, with asparagine, which is neutral and polar, at codon 670 of the PLK4 protein (p.Ile670Asn).